The following is an entry in ClinVar:

ClinVar aggregate classification (germline): Uncertain significance. Review status: criteria provided, multiple submitters, no conflicts (2 of 4 stars). 2 submissions from 2 submitters: Uncertain significance (2). Last evaluated 2024-10-03.

Allele frequency attached by ClinVar (database versions not stated): gnomAD exomes 0.00004 and 0.00007; TOPMed 0.00005; ExAC 0.00007; gnomAD 0.00007 and 0.00010; ESP Exome Variant Server 0.00023.
gnomAD v4.1: 123 of 1,614,138 alleles (0.0076%); highest among the groups gnomAD compares: African/African-American, 0.013%; no homozygotes.

Submissions (2):

Blueprint Genetics
Classification: Uncertain significance. Last evaluated: 2024-10-03. Review status: criteria provided, single submitter. Criteria: ACMG Guidelines, 2015. Collection method: clinical testing. Allele origin: germline.

Labcorp Genetics (formerly Invitae), Labcorp
Classification: Uncertain significance. Last evaluated: 2023-05-22. Review status: criteria provided, single submitter. Criteria: Invitae Variant Classification Sherloc (09022015). Collection method: clinical testing. Allele origin: germline.
Comment: In summary, the available evidence is currently insufficient to determine the role of this variant in disease. Therefore, it has been classified as a Variant of Uncertain Significance. Advanced modeling of protein sequence and biophysical properties (such as structural, functional, and spatial information, amino acid conservation, physicochemical variation, residue mobility, and thermodynamic stability) performed at Invitae indicates that this missense variant is not expected to disrupt LAMA1 protein function. ClinVar contains an entry for this variant (Variation ID: 1399589). This variant has not been reported in the literature in individuals affected with LAMA1-related conditions. This variant is present in population databases (rs370352054, gnomAD 0.009%). This sequence change replaces valine, which is neutral and non-polar, with isoleucine, which is neutral and non-polar, at codon 2625 of the LAMA1 protein (p.Val2625Ile).

NM_005559.4(LAMA1):c.7873G>A (p.Val2625Ile)

Gene: LAMA1 (laminin subunit alpha 1; minus strand). Cytogenetic location: 18p11.31.
Variant type: single nucleotide variant.
Coding change: c.7873G>A on transcript NM_005559.4 (MANE Select); coding-DNA position 7873, G replaced by A.
Protein change: p.Val2625Ile; replaces valine 2625 with isoleucine.
Molecular consequence: missense variant.
Genome position (GRCh38, 1-based): chr18:6,958,568, C>T on the plus strand (G>A on the coding strand, the complement: LAMA1 is on the minus strand). VCF-style: chr18-6958568-C-T. GRCh37 (hg19) VCF-style: chr18-6958567-C-T.
Other names: short protein forms V2625I.
Identifiers: ClinVar variation 1399589 (VCV001399589.7), dbSNP rs370352054, ClinGen allele CA8880758.